The following is an entry in ClinVar:

ClinVar aggregate classification (germline): Benign. Review status: criteria provided, multiple submitters, no conflicts (2 of 4 stars). 8 submissions from 7 submitters: Benign (6). 2 of the submissions do not count toward it. Last evaluated 2023-10-01.

Conditions:
Occult macular dystrophy (OCMD). Also called: OMD; OCCULT MACULAR DYSTROPHY, SUSCEPTIBILITY TO. Identifiers: Orphanet 247834, MedGen C3150833, MONDO:0013316, OMIM 613587, HP:0030636.
Retinitis pigmentosa 88. Identifiers: MedGen C5394208, MONDO:0032940, OMIM 618826.
Retinal dystrophy. Also called: Inherited retinal dystrophy. Identifiers: Orphanet 71862, MedGen C0854723, MeSH D058499, MONDO:0019118, HP:0000556.

Allele frequency attached by ClinVar (database versions not stated): TOPMed 0.82504; gnomAD 0.83079 and 0.83140; gnomAD exomes 0.84408 and 0.85497; ExAC 0.84465; ESP Exome Variant Server 0.84621; 1000 Genomes Project 0.79732; 1000 Genomes Project 30x 0.79872.

Submissions (8):

Dept Of Ophthalmology, Nagoya University
Classification: Benign for Retinal dystrophy. Last evaluated: 2023-10-01. Review status: criteria provided, single submitter. Criteria: Submitter's publication. Collection method: research. Allele origin: germline. Affected: yes.

Genome-Nilou Lab
Classification: Benign for Occult macular dystrophy. Last evaluated: 2021-11-07. Review status: criteria provided, single submitter. Criteria: ACMG Guidelines, 2015. Collection method: clinical testing. Allele origin: germline. Affected: no.

Genome-Nilou Lab
Classification: Benign for Retinitis pigmentosa 88. Last evaluated: 2021-11-07. Review status: criteria provided, single submitter. Criteria: ACMG Guidelines, 2015. Collection method: clinical testing. Allele origin: germline. Affected: no.

GeneDx
Classification: Benign. Last evaluated: 2018-10-08. Review status: criteria provided, single submitter. Criteria: GeneDx Variant Classification Process June 2021. Collection method: clinical testing. Allele origin: germline. Affected: yes.

Illumina Laboratory Services, Illumina
Classification: Benign for Occult macular dystrophy. Last evaluated: 2018-01-13. Review status: criteria provided, single submitter. Criteria: ICSL Variant Classification Criteria 13 December 2019. Collection method: clinical testing. Allele origin: germline.
Comment: This variant was observed in the ICSL laboratory as part of a predisposition screen in an ostensibly healthy population. It had not been previously curated by ICSL or reported in the Human Gene Mutation Database (HGMD: prior to June 1st, 2018), and was therefore a candidate for classification through an automated scoring system. Utilizing variant allele frequency, disease prevalence and penetrance estimates, and inheritance mode, an automated score was calculated to assess if this variant is too frequent to cause the disease. Based on the score and internal cut-off values, a variant classified as benign is not then subjected to further curation. The score for this variant resulted in a classification of benign for this disease.

Breakthrough Genomics
Classification: Benign. Review status: criteria provided, single submitter. Criteria: ACMG Guidelines, 2015. Collection method: not provided. Allele origin: germline. Inheritance: Autosomal recessive inheritance. Affected: yes.

Diagnostic Laboratory, Department of Genetics, University Medical Center Groningen
Classification: Benign. Review status: no assertion criteria provided. Collection method: clinical testing. Allele origin: germline. Affected: yes. Study: VKGL Data-share Consensus. Not counted in ClinVar's aggregate classification.

Joint Genome Diagnostic Labs from Nijmegen and Maastricht, Radboudumc and MUMC+
Classification: Benign. Review status: no assertion criteria provided. Collection method: clinical testing. Allele origin: germline. Affected: yes. Study: VKGL Data-share Consensus. Not counted in ClinVar's aggregate classification.

NM_178857.6(RP1L1):c.1791C>T (p.Gly597=)

Gene: RP1L1 (RP1 like 1). Cytogenetic location: 8p23.1.
Variant type: single nucleotide variant.
Coding change: c.1791C>T on transcript NM_178857.6 (MANE Select); coding-DNA position 1791, C replaced by T.
Protein change: p.Gly597=; no amino-acid change (glycine 597 retained).
Molecular consequence: synonymous variant.
Genome position (GRCh38, 1-based): chr8:10,612,307, G>A on the plus strand (C>T on the coding strand, the complement: RP1L1 is on the minus strand). VCF-style: chr8-10612307-G-A. GRCh37 (hg19) VCF-style: chr8-10469817-G-A.
Identifiers: ClinVar variation 361367 (VCV000361367.15), dbSNP rs6996950, ClinGen allele CA4625057.